The following is an entry in ClinVar:

NM_004453.4(ETFDH):c.970G>C (p.Val324Leu)

Gene: ETFDH (electron transfer flavoprotein dehydrogenase; plus strand). Cytogenetic location: 4q32.1.
Variant type: single nucleotide variant.
Coding change: c.970G>C on transcript NM_004453.4 (MANE Select); coding-DNA position 970, G replaced by C.
Protein change: p.Val324Leu; replaces valine 324 with leucine.
Molecular consequence: missense variant.
Genome position (GRCh38, 1-based): chr4:158,697,697, G>C. VCF-style: chr4-158697697-G-C. GRCh37 (hg19) VCF-style: chr4-159618849-G-C.
Other names: c.829G>C, p.Val277Leu (NM_001281737.2); c.787G>C, p.Val263Leu (NM_001281738.1); short protein forms V324L, V263L, V277L.
Identifiers: ClinVar variation 947958 (VCV000947958.7), dbSNP rs1774348680, ClinGen allele CA358561784.

ClinVar aggregate classification (germline): Uncertain significance (1 of 4 stars; one submission).

Conditions:
Multiple acyl-CoA dehydrogenase deficiency (MADD). Also called: ETHYLMALONIC-ADIPICACIDURIA; GA II; Glutaric aciduria, type 2; Glutaric Acidemia type 2; Glutaric acidemia type II; GA 2. Identifiers: Orphanet 26791, MedGen C0268596, MONDO:0009282, OMIM 231680.

Submission:

Labcorp Genetics (formerly Invitae), Labcorp
Classification: Uncertain significance for Multiple acyl-CoA dehydrogenase deficiency. Last evaluated: 2021-08-30. Review status: criteria provided, single submitter. Criteria: Invitae Variant Classification Sherloc (09022015). Collection method: clinical testing. Allele origin: germline.
Comment: This sequence change replaces valine with leucine at codon 324 of the ETFDH protein (p.Val324Leu). The valine residue is highly conserved and there is a small physicochemical difference between valine and leucine. This variant is not present in population databases (ExAC no frequency). This missense change has been observed in individual(s) with clinical features of late onset multiple acyl-CoA dehydrogenase deficiency (PMID: 32064983). ClinVar contains an entry for this variant (Variation ID: 947958). Algorithms developed to predict the effect of missense changes on protein structure and function are either unavailable or do not agree on the potential impact of this missense change (SIFT: "Deleterious"; PolyPhen-2: "Benign"; Align-GVGD: "Class C25"). In summary, the available evidence is currently insufficient to determine the role of this variant in disease. Therefore, it has been classified as a Variant of Uncertain Significance.

Literature cited by the submitters: PubMed 32064983.